The following is an entry in ClinVar:

ClinVar aggregate classification (germline): Likely benign. Review status: criteria provided, multiple submitters, no conflicts (2 of 4 stars). 3 submissions from 3 submitters: Likely benign (3). Last evaluated 2026-05-01.

Conditions:
Hereditary cancer-predisposing syndrome. Also called: Hereditary Cancer Syndrome; Tumor predisposition; Hereditary neoplastic syndrome; Neoplastic Syndromes, Hereditary. Identifiers: Orphanet 140162, MedGen C0027672, MeSH D009386, MONDO:0015356.

Allele frequency attached by ClinVar (database versions not stated): ExAC 0.00001; gnomAD 0.00001; gnomAD exomes 0.00001 and below 0.00001; TOPMed 0.00001.
gnomAD v4.1: 6 of 1,612,944 alleles (0.00037%); highest among the groups gnomAD compares: Non-Finnish European, 0.00051%; no homozygotes.

Submissions (3):

CeGaT Center for Human Genetics Tuebingen
Classification: Likely benign. Last evaluated: 2026-05-01. Review status: criteria provided, single submitter. Criteria: CeGaT Center For Human Genetics Tuebingen Variant Classification Criteria Version 2. Collection method: clinical testing. Allele origin: germline. Affected: yes. Observed: 1 variant allele.
Comment: MSH3: BP4, BP7

Labcorp Genetics (formerly Invitae), Labcorp
Classification: Likely benign. Last evaluated: 2026-01-23. Review status: criteria provided, single submitter. Criteria: Invitae Variant Classification Sherloc (09022015). Collection method: clinical testing. Allele origin: germline.

Ambry Genetics
Classification: Likely benign for Hereditary cancer-predisposing syndrome. Last evaluated: 2020-10-01. Review status: criteria provided, single submitter. Criteria: Ambry Variant Classification Scheme 2023. Collection method: clinical testing. Allele origin: germline.

NM_002439.5(MSH3):c.549T>C (p.Ser183=)

Gene: MSH3 (mutS homolog 3; plus strand). Cytogenetic location: 5q14.1.
Variant type: single nucleotide variant.
Coding change: c.549T>C on transcript NM_002439.5 (MANE Select); coding-DNA position 549, T replaced by C.
Protein change: p.Ser183=; no amino-acid change (serine 183 retained).
Molecular consequence: synonymous variant.
Genome position (GRCh38, 1-based): chr5:80,665,333, T>C. VCF-style: chr5-80665333-T-C. GRCh37 (hg19) VCF-style: chr5-79961152-T-C.
Identifiers: ClinVar variation 760172 (VCV000760172.15), dbSNP rs775653573, ClinGen allele CA3327629.